The following is an entry in ClinVar:

NC_012920.1(MT-ND5):m.12810A>G

Gene: MT-ND5 (mitochondrially encoded NADH dehydrogenase 5; plus strand).
Variant type: single nucleotide variant.
Genome position: chrM-12810-A-G.
Identifiers: ClinVar variation 235499 (VCV000235499.3), dbSNP rs28359174, ClinGen allele CA10581334.

ClinVar aggregate classification (germline): Likely benign (1 of 4 stars; one submission).

Submission:

Center for Pediatric Genomic Medicine, Children's Mercy Hospital and Clinics
Classification: Likely benign. Last evaluated: 2015-08-12. Review status: criteria provided, single submitter. Criteria: ACMG Guidelines, 2015. Collection method: clinical testing. Allele origin: germline.
ClinVar note: Converted during submission from Likely Benign to Likely benign.